The following is an entry in ClinVar:

ClinVar aggregate classification (germline): Uncertain significance (1 of 4 stars; one submission).

Conditions:
Familial thoracic aortic aneurysm and aortic dissection (TAAD). Also called: Thoracic aortic aneurysms and dissections. Identifiers: Orphanet 91387, MedGen C4707243, MONDO:0019625.

Submission:

Color Diagnostics, LLC DBA Color Health
Classification: Uncertain significance for Familial thoracic aortic aneurysm and aortic dissection. Last evaluated: 2024-03-06. Review status: criteria provided, single submitter. Criteria: ACMG Guidelines, 2015. Collection method: clinical testing. Allele origin: germline.
Comment: This missense variant replaces threonine with alanine at codon 2508 of the FBN1 protein. Computational prediction suggests that this variant may not impact protein structure and function (internally defined REVEL score threshold <= 0.5, PMID: 27666373). To our knowledge, functional studies have not been reported for this variant. This variant has not been reported in individuals affected with cardiovascular disorders in the literature. This variant has not been identified in the general population by the Genome Aggregation Database (gnomAD). The available evidence is insufficient to determine the role of this variant in disease conclusively. Therefore, this variant is classified as a Variant of Uncertain Significance.

NM_000138.5(FBN1):c.7522A>G (p.Thr2508Ala)

Gene: FBN1 (fibrillin 1; minus strand). Cytogenetic location: 15q21.1.
Variant type: single nucleotide variant.
Coding change: c.7522A>G on transcript NM_000138.5 (MANE Select); coding-DNA position 7522, A replaced by G.
Protein change: p.Thr2508Ala; replaces threonine 2508 with alanine.
Molecular consequence: missense variant.
Genome position (GRCh38, 1-based): chr15:48,422,000, T>C on the plus strand (A>G on the coding strand, the complement: FBN1 is on the minus strand). VCF-style: chr15-48422000-T-C. GRCh37 (hg19) VCF-style: chr15-48714197-T-C.
Other names: short protein forms T2508A.
Identifiers: ClinVar variation 1171268 (VCV001171268.3), dbSNP rs1034405424, ClinGen allele CA392325928.